The following is an entry in ClinVar:

NM_001040716.2(PC):c.3137_3138del (p.Glu1046fs)

Gene: PC (pyruvate carboxylase; minus strand). Cytogenetic location: 11q13.2.
Variant type: Microsatellite.
Coding change: c.3137_3138del on transcript NM_001040716.2 (MANE Select); coding-DNA positions 3137 to 3138, 2 bases deleted (AG; older notation c.3137_3138delAG).
Protein change: p.Glu1046fs; shifts the reading frame from glutamic acid 1046.
Molecular consequence: frameshift variant.
Genome position (GRCh38, 1-based): chr11:66,849,620-66,849,621, CT deleted on the plus strand (AG on the coding strand, the reverse complement: PC is on the minus strand); deleting any 2 consecutive bases within chr11:66,849,620-66,849,623 gives the same sequence; the c. name uses the placement nearest the transcript's 3' end. VCF-style (leftmost placement, unchanged base first): chr11-66849619-CCT-C. GRCh37 (hg19) VCF-style: chr11-66617090-CCT-C.
Other names: c.3137_3138del, p.Glu1046fs (NM_000920.4, NM_022172.3); short protein forms E1046fs.
Identifiers: ClinVar variation 2803769 (VCV002803769.3), dbSNP rs2495399570, ClinGen allele CA2739270590.
Genomic context (GRCh38, chr11:66,849,619, plus strand): 5'-CTCTGGGGCAGGGGGCCAGGGTGGAGTGTGGAGAAGCGCCAGAGCCACTGACCTCAAACT[CCT>C]CTGCGATCTTGGGTCCCTGCAGGAAGAGGCGAGTATTCAGGCTATCCAGGGGGCCAAAGG-3'

ClinVar aggregate classification (germline): Pathogenic (1 of 4 stars; one submission).

Conditions:
Pyruvate carboxylase deficiency. Also called: ATAXIA WITH LACTIC ACIDOSIS II; LEIGH NECROTIZING ENCEPHALOPATHY DUE TO PYRUVATE CARBOXYLASE DEFICIENCY; LEIGH SYNDROME DUE TO PYRUVATE CARBOXYLASE DEFICIENCY; PC DEFICIENCY; Pyruvate Carboxylase Deficiency Disease. Identifiers: Orphanet 3008, MedGen C0034341, MONDO:0009949, OMIM 266150.

Submission:

Labcorp Genetics (formerly Invitae), Labcorp
Classification: Pathogenic for Pyruvate carboxylase deficiency. Last evaluated: 2023-01-23. Review status: criteria provided, single submitter. Criteria: Invitae Variant Classification Sherloc (09022015). Collection method: clinical testing. Allele origin: germline.
Comment: For these reasons, this variant has been classified as Pathogenic. This variant has not been reported in the literature in individuals affected with PC-related conditions. This variant is not present in population databases (gnomAD no frequency). This sequence change creates a premature translational stop signal (p.Glu1046Glyfs*3) in the PC gene. It is expected to result in an absent or disrupted protein product. Loss-of-function variants in PC are known to be pathogenic (PMID: 12112657, 19306334).

Literature cited by the submitters: PubMed 12112657; PubMed 19306334.